The following is an entry in ClinVar:

NM_000321.3(RB1):c.199C>A (p.Pro67Thr)

Gene: RB1 (RB transcriptional corepressor 1; plus strand). Cytogenetic location: 13q14.2.
Variant type: single nucleotide variant.
Coding change: c.199C>A on transcript NM_000321.3 (MANE Select); coding-DNA position 199, C replaced by A.
Protein change: p.Pro67Thr; replaces proline 67 with threonine.
Molecular consequence: missense variant.
Genome position (GRCh38, 1-based): chr13:48,307,341, C>A. VCF-style: chr13-48307341-C-A. GRCh37 (hg19) VCF-style: chr13-48881477-C-A.
Other names: c.199C>A, p.Pro67Thr (NM_001407165.1, NM_001407166.1, NM_001407167.1); short protein forms P67T.
Identifiers: ClinVar variation 2565223 (VCV002565223.2), dbSNP rs1952089775, ClinGen allele CA388250560.

ClinVar aggregate classification (germline): Uncertain significance (1 of 4 stars; one submission).

Conditions:
Hereditary cancer-predisposing syndrome. Also called: Neoplastic Syndromes, Hereditary; Hereditary Cancer Syndrome; Hereditary neoplastic syndrome; Tumor predisposition. Identifiers: Orphanet 140162, MedGen C0027672, MeSH D009386, MONDO:0015356.

Submission:

Ambry Genetics
Classification: Uncertain significance for Hereditary cancer-predisposing syndrome. Last evaluated: 2023-04-21. Review status: criteria provided, single submitter. Criteria: Ambry Variant Classification Scheme 2023. Collection method: clinical testing. Allele origin: germline.
Comment: The p.P67T variant (also known as c.199C>A), located in coding exon 2 of the RB1 gene, results from a C to A substitution at nucleotide position 199. The proline at codon 67 is replaced by threonine, an amino acid with highly similar properties. This amino acid position is highly conserved in available vertebrate species. In addition, this alteration is predicted to be tolerated by in silico analysis. Since supporting evidence is limited at this time, the clinical significance of this alteration remains unclear.